The following is an entry in ClinVar:

ClinVar aggregate classification (germline): Likely benign (0 of 4 stars; one submission).

Conditions:
KCTD18-related disorder. Also called: KCTD18-related condition.

Allele frequency attached by ClinVar (database versions not stated): ESP Exome Variant Server 0.00008.

Submission:

PreventionGenetics, part of Exact Sciences
Classification: Likely benign for KCTD18-related condition. Last evaluated: 2019-06-24. Review status: no assertion criteria provided. Collection method: clinical testing. Allele origin: germline.
Comment: This variant is classified as likely benign based on ACMG/AMP sequence variant interpretation guidelines (Richards et al. 2015 PMID: 25741868, with internal and published modifications).

NM_152387.4(KCTD18):c.915G>A (p.Thr305=)

Gene: KCTD18 (potassium channel tetramerization domain containing 18; minus strand). Cytogenetic location: 2q33.1.
Variant type: single nucleotide variant.
Coding change: c.915G>A on transcript NM_152387.4 (MANE Select); coding-DNA position 915, G replaced by A.
Protein change: p.Thr305=; no amino-acid change (threonine 305 retained).
Molecular consequence: synonymous variant.
Genome position (GRCh38, 1-based): chr2:200,490,466, C>T on the plus strand (G>A on the coding strand, the complement: KCTD18 is on the minus strand). VCF-style: chr2-200490466-C-T. GRCh37 (hg19) VCF-style: chr2-201355189-C-T.
Other names: c.915G>A, p.Thr305= (NM_001321547.2); c.288G>A, p.Thr96= (NM_001321548.2, NM_001321550.2).
Identifiers: ClinVar variation 3043341 (VCV003043341.2), dbSNP rs200761596, ClinGen allele CA2047557.